The following is an entry in ClinVar:

ClinVar aggregate classification (germline): Uncertain significance (1 of 4 stars; one submission).

Conditions:
Menkes kinky-hair syndrome (MNK). Also called: Copper transport disease; Menkes Disease; Classic Menkes Disease. Identifiers: Orphanet 565, MedGen C0022716, MONDO:0010651, OMIM 309400.
X-linked distal spinal muscular atrophy type 3. Also called: ATP7A-Related Distal Motor Neuropathy; SPINAL MUSCULAR ATROPHY, DISTAL, X-LINKED RECESSIVE; NEURONOPATHY, DISTAL HEREDITARY MOTOR, X-LINKED; NEUROPATHY, DISTAL HEREDITARY MOTOR, X-LINKED. Identifiers: Orphanet 139557, MedGen C1845359, MONDO:0010338, OMIM 300489.
Cutis laxa, X-linked (OHS). Also called: EDS IX; Occipital horn syndrome. Identifiers: Orphanet 198, MedGen C0268353, MONDO:0010572, OMIM 304150.

Submission:

Labcorp Genetics (formerly Invitae), Labcorp
Classification: Uncertain significance for X-linked distal spinal muscular atrophy type 3; Cutis laxa, X-linked; Menkes kinky-hair syndrome. Last evaluated: 2022-10-21. Review status: criteria provided, single submitter. Criteria: Invitae Variant Classification Sherloc (09022015). Collection method: clinical testing. Allele origin: germline.
Comment: Variants that disrupt the consensus splice site are a relatively common cause of aberrant splicing (PMID: 17576681, 9536098). Algorithms developed to predict the effect of sequence changes on RNA splicing suggest that this variant may disrupt the consensus splice site. In summary, the available evidence is currently insufficient to determine the role of this variant in disease. Therefore, it has been classified as a Variant of Uncertain Significance. This variant has not been reported in the literature in individuals affected with ATP7A-related conditions. This variant is not present in population databases (gnomAD no frequency). This sequence change falls in intron 7 of the ATP7A gene. It does not directly change the encoded amino acid sequence of the ATP7A protein. It affects a nucleotide within the consensus splice site.

Literature cited by the submitters: PubMed 17576681; PubMed 9536098.

NM_000052.7(ATP7A):c.1869+4A>G

Gene: ATP7A (ATPase copper transporting alpha; plus strand). Cytogenetic location: Xq21.1.
Variant type: single nucleotide variant.
Coding change: c.1869+4A>G on transcript NM_000052.7 (MANE Select); 4 bases into the intron after coding-DNA position 1869, A replaced by G.
Molecular consequence: intron variant.
Genome position (GRCh38, 1-based): chrX:78,009,267, A>G. VCF-style: chrX-78009267-A-G. GRCh37 (hg19) VCF-style: chrX-77264764-A-G.
Other names: c.1869+4A>G (NM_001282224.2).
Identifiers: ClinVar variation 2036463 (VCV002036463.4), dbSNP rs2522341595, ClinGen allele CA2580101464.